The following is an entry in ClinVar:

ClinVar aggregate classification (germline): Conflicting classifications of pathogenicity. Review status: criteria provided, conflicting classifications (1 of 4 stars). 3 submissions from 3 submitters: Uncertain significance (1); Likely benign (2). Last evaluated 2026-01-28.

Conditions:
Keratoconus 1 (KTCN1). Identifiers: MedGen C1835677, MONDO:0007851, OMIM 148300.
Craniofacial anomalies and anterior segment dysgenesis syndrome (CAASDS). Identifiers: MedGen C3280099, MONDO:0013618, OMIM 614195.
Posterior polymorphous corneal dystrophy. Also called: CORNEAL DYSTROPHY, HEREDITARY POLYMORPHOUS POSTERIOR; Polymorphous corneal dystrophy. Identifiers: Orphanet 98973, MedGen C0339284, MONDO:0020364, HP:0007915.

Allele frequency attached by ClinVar (database versions not stated): 1000 Genomes Project 30x 0.00016; 1000 Genomes Project 0.00020; TOPMed 0.00046.

Submissions (3):

Labcorp Genetics (formerly Invitae), Labcorp
Classification: Uncertain significance. Last evaluated: 2026-01-28. Review status: criteria provided, single submitter. Criteria: Invitae Variant Classification Sherloc (09022015). Collection method: clinical testing. Allele origin: germline.
Comment: This sequence change replaces proline, which is neutral and non-polar, with arginine, which is basic and polar, at codon 247 of the VSX1 protein (p.Pro247Arg). This variant is present in population databases (rs576300014, gnomAD 0.08%), and has an allele count higher than expected for a pathogenic variant. This variant has not been reported in the literature in individuals affected with VSX1-related conditions. ClinVar contains an entry for this variant (Variation ID: 337958). Invitae Evidence Modeling of protein sequence and biophysical properties (such as structural, functional, and spatial information, amino acid conservation, physicochemical variation, residue mobility, and thermodynamic stability) indicates that this missense variant is expected to disrupt VSX1 protein function with a positive predictive value of 80%. In summary, the available evidence is currently insufficient to determine the role of this variant in disease. Therefore, it has been classified as a Variant of Uncertain Significance.

Fulgent Genetics
Classification: Likely benign for Keratoconus 1; Craniofacial anomalies and anterior segment dysgenesis syndrome. Last evaluated: 2022-04-29. Review status: criteria provided, single submitter. Criteria: ACMG Guidelines, 2015. Collection method: clinical testing. Allele origin: unknown.

Illumina Laboratory Services, Illumina
Classification: Likely benign for Polymorphous corneal dystrophy. Last evaluated: 2017-04-27. Review status: criteria provided, single submitter. Criteria: ICSL Variant Classification Criteria 13 December 2019. Collection method: clinical testing. Allele origin: germline.
Comment: This variant was observed as part of a predisposition screen in an ostensibly healthy population. A literature search was performed for the gene, cDNA change, and amino acid change (where applicable). Publications were found based on this search. The evidence from the literature, in combination with allele frequency data from public databases where available, was sufficient to determine this variant is unlikely to cause disease. Therefore, this variant is classified as likely benign.

Literature cited by the submitters: PubMed 16303937 (cited by Illumina Laboratory Services, Illumina); PubMed 11978762 (cited by Illumina Laboratory Services, Illumina); PubMed 21976959 (cited by Illumina Laboratory Services, Illumina).

NM_014588.6(VSX1):c.740C>G (p.Pro247Arg)

Gene: VSX1 (visual system homeobox 1; minus strand). Cytogenetic location: 20p11.21.
Variant type: single nucleotide variant.
Coding change: c.740C>G on transcript NM_014588.6 (MANE Select); coding-DNA position 740, C replaced by G.
Protein change: p.Pro247Arg; replaces proline 247 with arginine.
Molecular consequence: missense variant. On other transcripts: non-coding transcript variant (4), intron variant (1).
Genome position (GRCh38, 1-based): chr20:25,077,753, G>C on the plus strand (C>G on the coding strand, the complement: VSX1 is on the minus strand). VCF-style: chr20-25077753-G-C. GRCh37 (hg19) VCF-style: chr20-25058389-G-C.
Other names: c.740C>G, p.Pro247Arg (NM_001256272.2); c.47C>G, p.Pro16Arg (NM_001378633.1); c.627+1076C>G (NM_001256271.2); short protein forms P247R, P16R.
Identifiers: ClinVar variation 337958 (VCV000337958.10), dbSNP rs576300014, ClinGen allele CA9793519.
Genomic context (GRCh38, chr20:25,077,753, plus strand): 5'-CAGGGCGCGCAGGAGCCCAGCAGGCCGCCCTCGGCGGAGTTGAGCACGGAGTCTGGCAGC[G>C]GGATGCAGTGGCGCACCATGGCCCCGTACAGCCCGTACTCGGCCATCACGCTGCTGCCGC-3'
Protein context (NP_055403.2, residues 237-257): LYGAMVRHCI[Pro247Arg]LPDSVLNSAE